The following is an entry in ClinVar:

ClinVar aggregate classification (germline): Uncertain significance. Review status: criteria provided, multiple submitters, no conflicts (2 of 4 stars). 2 submissions from 2 submitters: Uncertain significance (2). Last evaluated 2025-03-31.

Conditions:
DMXL2-related disorder. Also called: DMXL2-related condition.

gnomAD v4.1: 11 of 1,610,034 alleles (0.00068%); highest among the groups gnomAD compares: African/African-American, 0.004%; no homozygotes.

Submissions (2):

PreventionGenetics, part of Exact Sciences
Classification: Uncertain significance for DMXL2-related condition. Last evaluated: 2025-03-31. Review status: criteria provided, single submitter. Criteria: ACMG Guidelines, 2015. Collection method: clinical testing. Allele origin: germline.
Comment: The DMXL2 c.5555G>A variant is predicted to result in the amino acid substitution p.Arg1852Gln. To our knowledge, this variant has not been reported in the literature. This variant is reported in 0.00089% of alleles in individuals of European (Non-Finnish) descent in gnomAD. At this time, the clinical significance of this variant is uncertain due to the absence of conclusive functional and genetic evidence.

ARUP Laboratories, Molecular Genetics and Genomics, ARUP Laboratories
Classification: Uncertain significance. Last evaluated: 2024-03-04. Review status: criteria provided, single submitter. Criteria: ARUP Molecular Germline Variant Investigation Process 2024. Collection method: clinical testing. Allele origin: germline.

NM_001378457.1(DMXL2):c.5555G>A (p.Arg1852Gln)

Gene: DMXL2 (Dmx like 2; minus strand). Cytogenetic location: 15q21.2.
Variant type: single nucleotide variant.
Coding change: c.5555G>A on transcript NM_001378457.1 (MANE Select); coding-DNA position 5555, G replaced by A.
Protein change: p.Arg1852Gln; replaces arginine 1852 with glutamine.
Molecular consequence: missense variant. On other transcripts: non-coding transcript variant (2).
Genome position (GRCh38, 1-based): chr15:51,481,551, C>T on the plus strand (G>A on the coding strand, the complement: DMXL2 is on the minus strand). VCF-style: chr15-51481551-C-T. GRCh37 (hg19) VCF-style: chr15-51773748-C-T.
Other names: c.5555G>A (NM_001174116.1); c.3647G>A, p.Arg1216Gln (NM_001174117.3); c.5555G>A, p.Arg1852Gln (NM_001378458.1, NM_001378459.1, NM_001378461.1 and 4 more transcripts); c.3536G>A, p.Arg1179Gln (NM_001378460.1); c.5315G>A, p.Arg1772Gln (NM_001378464.1); short protein forms R1179Q, R1216Q, R1772Q, R1852Q.
Identifiers: ClinVar variation 3766490 (VCV003766490.2).
Genomic context (GRCh38, chr15:51,481,551, plus strand): 5'-TTCTTCTCAGTTTTGAGACCTAAGGTTGCCAAAGTTCCTTCAGGGGAGGCAAGATTTCTT[C>T]GAATGAGCAAAGGATGAGTTCGAAGGTAGTTATAAAAACTAAATGCCACCGGGTTACAAG-3'
Protein context (NP_001365386.1, residues 1842-1862): NYLRTHPLLI[Arg1852Gln]RNLASPEGTL